The following is an entry in ClinVar:

ClinVar aggregate classification (germline): Uncertain significance (1 of 4 stars; one submission).

Conditions:
Catecholaminergic polymorphic ventricular tachycardia 1. Also called: VENTRICULAR TACHYCARDIA, CATECHOLAMINERGIC POLYMORPHIC, 1, WITH OR WITHOUT ATRIAL DYSFUNCTION AND/OR DILATED CARDIOMYOPATHY; RYR2-Related Catecholaminergic Polymorphic Ventricular Tachycardia; VENTRICULAR TACHYCARDIA, STRESS-INDUCED POLYMORPHIC 1. Identifiers: Orphanet 3286, MedGen C1631597, MONDO:0011484, OMIM 604772.

Submission:

Labcorp Genetics (formerly Invitae), Labcorp
Classification: Uncertain significance for Catecholaminergic polymorphic ventricular tachycardia 1. Last evaluated: 2024-10-12. Review status: criteria provided, single submitter. Criteria: Invitae Variant Classification Sherloc (09022015). Collection method: clinical testing. Allele origin: germline.
Comment: This sequence change creates a premature translational stop signal (p.Pro1395Hisfs*14) in the RYR2 gene. It is expected to result in an absent or disrupted protein product. However, the current clinical and genetic evidence is not sufficient to establish whether loss-of-function variants in RYR2 cause disease. This variant is not present in population databases (gnomAD no frequency). This variant has not been reported in the literature in individuals affected with RYR2-related conditions. In summary, the available evidence is currently insufficient to determine the role of this variant in disease. Therefore, it has been classified as a Variant of Uncertain Significance.

NM_001035.3(RYR2):c.4184_4194del (p.Pro1395fs)

Gene: RYR2 (ryanodine receptor 2; plus strand). Cytogenetic location: 1q43.
Variant type: Deletion.
Coding change: c.4184_4194del on transcript NM_001035.3 (MANE Select); coding-DNA positions 4184 to 4194, 11 bases deleted (CAGATTACAGC).
Protein change: p.Pro1395fs; shifts the reading frame from proline 1395.
Molecular consequence: frameshift variant.
Genome position (GRCh38, 1-based): chr1:237,591,762-237,591,772, CAGATTACAGC deleted; deleting any 11 consecutive bases within chr1:237,591,759-237,591,772 gives the same sequence; the c. name uses the placement nearest the transcript's 3' end. VCF-style (leftmost placement, unchanged base first): chr1-237591758-AAGCCAGATTAC-A. GRCh37 (hg19) VCF-style: chr1-237755058-AAGCCAGATTAC-A.
Other names: short protein forms P1395fs.
Identifiers: ClinVar variation 3630756 (VCV003630756.2).